The following is an entry in ClinVar:

NM_000091.5(COL4A3):c.1923A>C (p.Glu641Asp)

Genes: COL4A3 (collagen type IV alpha 3 chain; plus strand), MFF-DT (MFF divergent transcript; minus strand). Cytogenetic location: 2q36.3.
Variant type: single nucleotide variant.
Coding change: c.1923A>C on transcript NM_000091.5 (MANE Select); coding-DNA position 1923, A replaced by C.
Protein change: p.Glu641Asp; replaces glutamic acid 641 with aspartic acid.
Molecular consequence: missense variant.
Genome position (GRCh38, 1-based): chr2:227,273,113, A>C. VCF-style: chr2-227273113-A-C. GRCh37 (hg19) VCF-style: chr2-228137829-A-C.
Other names: short protein forms E641D.
Identifiers: ClinVar variation 1254272 (VCV001254272.8), dbSNP rs752819997, ClinGen allele CA2146787.

ClinVar aggregate classification (germline): Conflicting classifications of pathogenicity. Review status: criteria provided, conflicting classifications (1 of 4 stars). 3 submissions from 3 submitters: Uncertain significance (1); Likely benign (1). 1 of the submissions does not count toward it. Last evaluated 2024-01-11.

Conditions:
Alport syndrome. Also called: Hemorrhagic familial nephritis; Hemorrhagic hereditary nephritis; Congenital hereditary hematuria. Identifiers: Orphanet 63, MedGen C1567741, MONDO:0018965.

Allele frequency attached by ClinVar (database versions not stated): gnomAD 0.00001; gnomAD exomes 0.00001 and 0.00003; ExAC 0.00006.
gnomAD v4.1: 5 of 1,613,386 alleles (0.00031%); highest among the groups gnomAD compares: East Asian, 0.011%; no homozygotes.

Submissions (3):

Labcorp Genetics (formerly Invitae), Labcorp
Classification: Likely benign. Last evaluated: 2024-01-11. Review status: criteria provided, single submitter. Criteria: Invitae Variant Classification Sherloc (09022015). Collection method: clinical testing. Allele origin: germline.

GeneDx
Classification: Uncertain significance. Last evaluated: 2021-02-02. Review status: criteria provided, single submitter. Criteria: GeneDx Variant Classification Process June 2021. Collection method: clinical testing. Allele origin: germline. Affected: yes.
Comment: In silico analysis supports that this missense variant does not alter protein structure/function; Has not been previously published as pathogenic or benign to our knowledge; Occurs in the triple helical domain at the X position in the canonical Gly-X-Y repeat; although this variant may have an effect on normal protein folding and function, missense substitution at the X position is not a common mechanism of disease

Natera, Inc.
Classification: Uncertain significance for Alport syndrome. Last evaluated: 2020-03-13. Review status: no assertion criteria provided. Collection method: clinical testing. Allele origin: germline. Not counted in ClinVar's aggregate classification.